The following is an entry in ClinVar:

ClinVar aggregate classification (germline): not provided. Review status: no classification provided (0 of 4 stars). 2 submissions from 1 submitter: not provided (2).

Conditions:
Gestational diabetes mellitus uncontrolled. Identifiers: MedGen C3532257.
Large for gestational age. Identifiers: MedGen C1848395, HP:0001520.

Submissions (2):

Institute of Molecular and Cell Biology, University of Tartu
No classification provided. Condition: Large for gestational age. Review status: no classification provided. Collection method: case-control. Allele origin: unknown. Affected: yes. Study: Kasak2014.
Comment: The study aimed to determine the contribution of copy number variants in the genetic etiology of normal and complicated pregnancies. The samples represented (i) maternal blood DNA drawn from healthy pregnant women during 1st or 2nd trimester and (ii) maternal and paternal blood DNA drawn at term pregnancy cases representing normal and complicated gestations (severe preeclampsia, PE; gestational diabetes, GD; small-for-gestational age newborn, SGA; large-for-gestational age newborn, LGA). We performed CNV calling based on genome-wide genotyping dataset (Illumina HumanOmniExpress-24-v1 BeadChip) by applying three algorithms, QuantiSNP, GADA (Genome Alteration Detection Algorithm) and CNstream in parallel. The acquired CNV calls were merged with HD-CNV (Hotspot Detector for Copy Number Variants) program and only the CNVs predicted by at least two programs, were considered in subsequent analysis.

Institute of Molecular and Cell Biology, University of Tartu
No classification provided. Condition: Gestational diabetes mellitus uncontrolled. Review status: no classification provided. Collection method: case-control. Allele origin: unknown. Affected: yes. Study: Kasak2014.
Comment: the same text as in the submission from Institute of Molecular and Cell Biology, University of Tartu above.

Literature cited by the submitters: PubMed 25666259.

Single allele

Variant type: Deletion.
Identifiers: ClinVar variation 157155 (VCV000157155.2).